The following is an entry in ClinVar:

ClinVar aggregate classification (germline): Pathogenic (1 of 4 stars; one submission).

gnomAD v4.1: 1 of 1,613,558 alleles (0.000062%); highest among the groups gnomAD compares: Non-Finnish European, 0.000085%; no homozygotes.

Submission:

GeneDx
Classification: Pathogenic. Last evaluated: 2015-07-15. Review status: criteria provided, single submitter. Criteria: GeneDx Variant Classification (06012015). Collection method: clinical testing. Allele origin: germline. Affected: yes.
Comment: The S1184X variant in the FLG gene has not been reported previously as a pathogenic variant noras a benign polymorphism, to our knowledge. This variant is predicted to cause loss of normal proteinfunction through protein truncation. The S1184X variant was not observed in approximately 6500individuals of European and African American ancestry in the NHLBI Exome Sequencing Project,indicating it is not a common benign variant in these populations. We interpret S1184X as a pathogenic variant.

NM_002016.2(FLG):c.3551C>A (p.Ser1184Ter)

Genes: FLG (filaggrin; minus strand), FLG-AS1 (FLG antisense RNA 1; plus strand). Cytogenetic location: 1q21.3.
Variant type: single nucleotide variant.
Coding change: c.3551C>A on transcript NM_002016.2 (MANE Select); coding-DNA position 3551, C replaced by A.
Protein change: p.Ser1184Ter; replaces serine 1184 with a stop codon.
Molecular consequence: nonsense.
Genome position (GRCh38, 1-based): chr1:152,311,335, G>T on the plus strand (C>A on the coding strand, the complement: FLG is on the minus strand). VCF-style: chr1-152311335-G-T. GRCh37 (hg19) VCF-style: chr1-152283811-G-T.
Other names: short protein forms S1184*.
Identifiers: ClinVar variation 419209 (VCV000419209.2), dbSNP rs3120649, ClinGen allele CA16616975.